The following is an entry in ClinVar:

ClinVar aggregate classification (germline): Uncertain significance. Review status: criteria provided, multiple submitters, no conflicts (2 of 4 stars). 5 submissions from 5 submitters: Uncertain significance (5). Last evaluated 2025-11-12.

Conditions:
Chuvash polycythemia. Also called: POLYCYTHEMIA, VHL-DEPENDENT. Identifiers: Orphanet 238557, MedGen C1837915, MONDO:0009892, OMIM 263400.
Von Hippel-Lindau syndrome (VHLS). Also called: VHL syndrome; Von Hippel-Lindau; von Hippel–Lindau syndrome. Identifiers: Orphanet 892, MedGen C0019562, MONDO:0008667, OMIM 193300. Disease mechanism: loss of function.
Hereditary cancer-predisposing syndrome. Also called: Hereditary neoplastic syndrome; Neoplastic Syndromes, Hereditary; Hereditary Cancer Syndrome; Tumor predisposition. Identifiers: Orphanet 140162, MedGen C0027672, MeSH D009386, MONDO:0015356.

gnomAD v4.1: 6 of 1,614,142 alleles (0.00037%); highest among the groups gnomAD compares: Non-Finnish European, 0.00051%; no homozygotes.

Submissions (5):

Ambry Genetics
Classification: Uncertain significance for Hereditary cancer-predisposing syndrome. Last evaluated: 2025-11-12. Review status: criteria provided, single submitter. Criteria: Ambry Variant Classification Scheme 2023. Collection method: clinical testing. Allele origin: germline.
Comment: The p.E204Q variant (also known as c.610G>C), located in coding exon 3 of the VHL gene, results from a G to C substitution at nucleotide position 610. The glutamic acid at codon 204 is replaced by glutamine, an amino acid with highly similar properties. This amino acid position is highly conserved in available vertebrate species. In addition, this alteration is predicted to be deleterious by in silico analysis. Since supporting evidence is limited at this time, the clinical significance of this alteration remains unclear.

Labcorp Genetics (formerly Invitae), Labcorp
Classification: Uncertain significance for Von Hippel-Lindau syndrome; Chuvash polycythemia. Last evaluated: 2025-08-09. Review status: criteria provided, single submitter. Criteria: Invitae Variant Classification Sherloc (09022015). Collection method: clinical testing. Allele origin: germline.
Comment: This sequence change replaces glutamic acid, which is acidic and polar, with glutamine, which is neutral and polar, at codon 204 of the VHL protein (p.Glu204Gln). This variant is present in population databases (rs758853661, gnomAD 0.004%). This variant has not been reported in the literature in individuals affected with VHL-related conditions. ClinVar contains an entry for this variant (Variation ID: 573929). Invitae Evidence Modeling of protein sequence and biophysical properties (such as structural, functional, and spatial information, amino acid conservation, physicochemical variation, residue mobility, and thermodynamic stability) indicates that this missense variant is expected to disrupt VHL protein function with a positive predictive value of 80%. In summary, the available evidence is currently insufficient to determine the role of this variant in disease. Therefore, it has been classified as a Variant of Uncertain Significance.

Color Diagnostics, LLC DBA Color Health
Classification: Uncertain significance for Von Hippel-Lindau syndrome. Last evaluated: 2025-06-23. Review status: criteria provided, single submitter. Criteria: ACMG Guidelines, 2015. Collection method: clinical testing. Allele origin: germline.
Comment: This missense variant replaces glutamic acid with glutamine at codon 204 of the VHL protein. Computational prediction is inconclusive regarding the impact of this variant on protein structure and function. To our knowledge, functional studies have not been reported for this variant. This variant has not been reported in individuals affected with VHL-related disorders in the literature. This variant has been identified in 4/251336 chromosomes in the general population by the Genome Aggregation Database (gnomAD). The available evidence is insufficient to determine the role of this variant in disease conclusively. Therefore, this variant is classified as a Variant of Uncertain Significance.

Center for Genomic Medicine, Rigshospitalet, Copenhagen University Hospital
Classification: Uncertain significance. Last evaluated: 2025-03-04. Review status: criteria provided, single submitter. Criteria: ACMG Guidelines, 2015. Collection method: clinical testing. Allele origin: germline.

All of Us Research Program, National Institutes of Health
Classification: Uncertain significance for Von Hippel-Lindau syndrome. Last evaluated: 2023-11-30. Review status: criteria provided, single submitter. Criteria: ACMG Guidelines, 2015. Collection method: clinical testing. Allele origin: germline. Inheritance: Autosomal dominant inheritance. Observed: 2 variant alleles, 2 heterozygotes.
Comment: This missense variant replaces glutamic acid with glutamine at codon 204 of the VHL protein. Computational prediction is inconclusive regarding the impact of this variant on protein structure and function (internally defined REVEL score threshold 0.5 < inconclusive < 0.7, PMID: 27666373). To our knowledge, functional studies have not been reported for this variant. This variant has not been reported in individuals affected with hereditary cancer in the literature. This variant has been identified in 4/251336 chromosomes in the general population by the Genome Aggregation Database (gnomAD). The available evidence is insufficient to determine the role of this variant in disease conclusively. Therefore, this variant is classified as a Variant of Uncertain Significance.

This study involves interpretation of variants in research participants for the purpose of population health screening. Participant phenotype was not available at the time of variant classification. Additional details can be found in publication PMID: 35346344, PMCID: PMC8962531

Literature cited by the submitters: PubMed 38969834 (cited by Ambry Genetics).

NM_000551.4(VHL):c.610G>C (p.Glu204Gln)

Genes: VHL (von Hippel-Lindau tumor suppressor; plus strand), LOC107303340 (3p25 von Hippel-Lindau tumor suppressor, E3 ubiquitin protein ligase Alu-mediated recombination region; plus strand). Cytogenetic location: 3p25.3.
Variant type: single nucleotide variant.
Coding change: c.610G>C on transcript NM_000551.4 (MANE Select); coding-DNA position 610, G replaced by C.
Protein change: p.Glu204Gln; replaces glutamic acid 204 with glutamine.
Molecular consequence: missense variant. On other transcripts: 3 prime UTR variant (1).
Genome position (GRCh38, 1-based): chr3:10,149,933, G>C. VCF-style: chr3-10149933-G-C. GRCh37 (hg19) VCF-style: chr3-10191617-G-C.
Other names: c.*164G>C (NM_001354723.2); c.487G>C, p.Glu163Gln (NM_198156.3); short protein forms E204Q, E163Q.
Identifiers: ClinVar variation 573929 (VCV000573929.22), dbSNP rs758853661, ClinGen allele CA041897.